The following is an entry in ClinVar:

NM_020778.5(ALPK3):c.475G>A (p.Gly159Ser)

Gene: ALPK3 (alpha kinase 3; plus strand). Cytogenetic location: 15q25.3.
Variant type: single nucleotide variant.
Coding change: c.475G>A on transcript NM_020778.5 (MANE Select); coding-DNA position 475, G replaced by A.
Protein change: p.Gly159Ser; replaces glycine 159 with serine.
Molecular consequence: missense variant.
Genome position (GRCh38, 1-based): chr15:84,839,754, G>A. VCF-style: chr15-84839754-G-A. GRCh37 (hg19) VCF-style: chr15-85382985-G-A.
Other names: short protein forms G159S.
Identifiers: ClinVar variation 2862596 (VCV002862596.3), dbSNP rs2505704809, ClinGen allele CA393372556.

ClinVar aggregate classification (germline): Uncertain significance (1 of 4 stars; one submission).

gnomAD v4.1: 1 of 1,614,116 alleles (0.000062%); no homozygotes.

Submission:

Labcorp Genetics (formerly Invitae), Labcorp
Classification: Uncertain significance. Last evaluated: 2023-05-19. Review status: criteria provided, single submitter. Criteria: Invitae Variant Classification Sherloc (09022015). Collection method: clinical testing. Allele origin: germline.
Comment: In summary, the available evidence is currently insufficient to determine the role of this variant in disease. Therefore, it has been classified as a Variant of Uncertain Significance. An algorithm developed to predict the effect of missense changes on protein structure and function (PolyPhen-2) suggests that this variant is likely to be disruptive. This variant has not been reported in the literature in individuals affected with ALPK3-related conditions. This variant is not present in population databases (gnomAD no frequency). This sequence change replaces glycine, which is neutral and non-polar, with serine, which is neutral and polar, at codon 361 of the ALPK3 protein (p.Gly361Ser).